The following is an entry in ClinVar:

ClinVar aggregate classification (germline): Likely pathogenic (1 of 4 stars; one submission).

Conditions:
Hyper-IgE recurrent infection syndrome 3, autosomal recessive. Also called: Autosomal recessive hyper-IgE syndrome due to ZNF341 deficiency; HYPER-IgE SYNDROME 3, AUTOSOMAL RECESSIVE, WITH RECURRENT INFECTIONS. Identifiers: Orphanet 641368, MedGen C4748969, MONDO:0032654, OMIM 618282.

Submission:

Labcorp Genetics (formerly Invitae), Labcorp
Classification: Likely pathogenic for Combined immunodeficiency due to DOCK8 deficiency. Last evaluated: 2023-09-28. Review status: criteria provided, single submitter. Criteria: Invitae Variant Classification Sherloc (09022015). Collection method: clinical testing. Allele origin: germline.
Comment: This variant results in a copy number gain of the genomic region encompassing exon(s) 5-26 of the DOCK8 gene. While the exact position of this variant cannot be determined from the data, sub-genic copy number gains are generally in tandem (PMID: 25640679). This variant is predicted to be out-of-frame, and may result in an absent or disrupted protein product. Loss-of-function variants in DOCK8 are known to be pathogenic (PMID: 14722525, 19776401). This variant has not been reported in the literature in individuals affected with DOCK8-related conditions. In summary, the currently available evidence indicates that the variant is pathogenic, but additional data are needed to prove that conclusively. Therefore, this variant has been classified as Likely Pathogenic.

Literature cited by the submitters: PubMed 25640679; PubMed 14722525; PubMed 19776401.

NC_000009.12:g.(?_304561)_(399279_?)dup

Gene: DOCK8 (dedicator of cytokinesis 8; plus strand). Cytogenetic location: 9p24.3.
Variant type: Duplication.
Identifiers: ClinVar variation 830532 (VCV000830532.10).